The following is an entry in ClinVar:

NM_004370.6(COL12A1):c.6733G>A (p.Gly2245Arg)

Gene: COL12A1 (collagen type XII alpha 1 chain; minus strand). Cytogenetic location: 6q13.
Variant type: single nucleotide variant.
Coding change: c.6733G>A on transcript NM_004370.6 (MANE Select); coding-DNA position 6733, G replaced by A.
Protein change: p.Gly2245Arg; replaces glycine 2245 with arginine.
Molecular consequence: missense variant.
Genome position (GRCh38, 1-based): chr6:75,124,086, C>T on the plus strand (G>A on the coding strand, the complement: COL12A1 is on the minus strand). VCF-style: chr6-75124086-C-T. GRCh37 (hg19) VCF-style: chr6-75833802-C-T.
Other names: c.3241G>A, p.Gly1081Arg (NM_080645.3); short protein forms G1081R, G2245R.
Identifiers: ClinVar variation 1346768 (VCV001346768.8), dbSNP rs2149373796, ClinGen allele CA364728728.

ClinVar aggregate classification (germline): Uncertain significance (1 of 4 stars; one submission).

Conditions:
Ullrich congenital muscular dystrophy 2 (UCMD2). Identifiers: Orphanet 75840, MedGen C4225314, MONDO:0014654, OMIM 616470.
Bethlem myopathy 2 (BTHLM2). Identifiers: Orphanet 536516, Orphanet 610, MedGen C4225313, MONDO:0034022, OMIM 616471.

gnomAD v4.1: 1 of 1,612,614 alleles (0.000062%); highest among the groups gnomAD compares: Non-Finnish European, 0.000085%; no homozygotes.

Submission:

Labcorp Genetics (formerly Invitae), Labcorp
Classification: Uncertain significance for Bethlem myopathy 2; Ullrich congenital muscular dystrophy 2. Last evaluated: 2025-10-02. Review status: criteria provided, single submitter. Criteria: Invitae Variant Classification Sherloc (09022015). Collection method: clinical testing. Allele origin: germline.
Comment: This sequence change replaces glycine, which is neutral and non-polar, with arginine, which is basic and polar, at codon 2245 of the COL12A1 protein (p.Gly2245Arg). This variant is not present in population databases (gnomAD no frequency). This variant has not been reported in the literature in individuals affected with COL12A1-related conditions. ClinVar contains an entry for this variant (Variation ID: 1346768). Invitae Evidence Modeling of protein sequence and biophysical properties (such as structural, functional, and spatial information, amino acid conservation, physicochemical variation, residue mobility, and thermodynamic stability) indicates that this missense variant is not expected to disrupt COL12A1 protein function with a negative predictive value of 80%. In summary, the available evidence is currently insufficient to determine the role of this variant in disease. Therefore, it has been classified as a Variant of Uncertain Significance.